The following is an entry in ClinVar:

NM_001122630.2(CDKN1C):c.832G>T (p.Gly278Cys)

Gene: CDKN1C (cyclin dependent kinase inhibitor 1C; minus strand). Cytogenetic location: 11p15.4.
Variant type: single nucleotide variant.
Coding change: c.832G>T on transcript NM_001122630.2 (MANE Select); coding-DNA position 832, G replaced by T.
Protein change: p.Gly278Cys; replaces glycine 278 with cysteine.
Molecular consequence: missense variant. On other transcripts: synonymous variant (1).
Genome position (GRCh38, 1-based): chr11:2,884,090, C>A on the plus strand (G>T on the coding strand, the complement: CDKN1C is on the minus strand). VCF-style: chr11-2884090-C-A. GRCh37 (hg19) VCF-style: chr11-2905320-C-A.
Other names: c.865G>T, p.Gly289Cys (NM_000076.2, NM_001362474.2); c.832G>T, p.Gly278Cys (NM_001122631.2); c.300G>T, p.Arg100= (NM_001362475.2); short protein forms G289C, G278C.
Identifiers: ClinVar variation 939668 (VCV000939668.9), dbSNP rs1391074477, ClinGen allele CA379144976.

ClinVar aggregate classification (germline): Uncertain significance (1 of 4 stars; one submission).

Conditions:
Beckwith-Wiedemann syndrome (BWS). Also called: Exomphalos macroglossia gigantism syndrome; EMG SYNDROME. Identifiers: Orphanet 116, MedGen C0004903, MONDO:0007534, OMIM 130650.

Submission:

Labcorp Genetics (formerly Invitae), Labcorp
Classification: Uncertain significance for Beckwith-Wiedemann syndrome. Last evaluated: 2019-05-10. Review status: criteria provided, single submitter. Criteria: Invitae Variant Classification Sherloc (09022015). Collection method: clinical testing. Allele origin: germline.
Comment: In summary, the available evidence is currently insufficient to determine the role of this variant in disease. Therefore, it has been classified as a Variant of Uncertain Significance. This variant has not been reported in the literature in individuals with CDKN1C-related conditions. The frequency data for this variant in the population databases is considered unreliable, as metrics indicate insufficient coverage at this position in the ExAC database. This sequence change replaces glycine with cysteine at codon 289 of the CDKN1C protein (p.Gly289Cys). The glycine residue is weakly conserved and there is a large physicochemical difference between glycine and cysteine.